The following is an entry in ClinVar:

ClinVar aggregate classification (germline): Uncertain significance (1 of 4 stars; one submission).

Conditions:
Primary familial hypertrophic cardiomyopathy (HCM). Identifiers: Orphanet 99739, MedGen C0949658, MeSH D024741, MONDO:0024573. Inheritance: Various modes of inheritance.
Hypertrophic cardiomyopathy 25 (CMH25). Also called: CARDIOMYOPATHY, FAMILIAL HYPERTROPHIC, 25. Identifiers: MedGen C4225408, MONDO:0011843, OMIM 607487.

Submission:

Labcorp Genetics (formerly Invitae), Labcorp
Classification: Uncertain significance for Hypertrophic cardiomyopathy 25; Primary familial hypertrophic cardiomyopathy. Last evaluated: 2020-04-08. Review status: criteria provided, single submitter. Criteria: Invitae Variant Classification Sherloc (09022015). Collection method: clinical testing. Allele origin: germline.
Comment: This sequence change replaces alanine with serine at codon 20 of the TCAP protein (p.Ala20Ser). The alanine residue is moderately conserved and there is a moderate physicochemical difference between alanine and serine. In summary, the available evidence is currently insufficient to determine the role of this variant in disease. Therefore, it has been classified as a Variant of Uncertain Significance. Algorithms developed to predict the effect of missense changes on protein structure and function are either unavailable or do not agree on the potential impact of this missense change (SIFT: "Tolerated"; PolyPhen-2: "Possibly Damaging"; Align-GVGD: "Class C0"). This variant has not been reported in the literature in individuals with TCAP-related conditions. This variant is not present in population databases (ExAC no frequency).

NM_003673.4(TCAP):c.58G>T (p.Ala20Ser)

Gene: TCAP (titin-cap; plus strand). Cytogenetic location: 17q12.
Variant type: single nucleotide variant.
Coding change: c.58G>T on transcript NM_003673.4 (MANE Select); coding-DNA position 58, G replaced by T.
Protein change: p.Ala20Ser; replaces alanine 20 with serine.
Molecular consequence: missense variant.
Genome position (GRCh38, 1-based): chr17:39,665,417, G>T. VCF-style: chr17-39665417-G-T. GRCh37 (hg19) VCF-style: chr17-37821670-G-T.
Other names: short protein forms A20S.
Identifiers: ClinVar variation 1014787 (VCV001014787.9), dbSNP rs2057247244, ClinGen allele CA399302875.